The following is an entry in ClinVar:

ClinVar aggregate classification (germline): Uncertain significance. Review status: criteria provided, multiple submitters, no conflicts (2 of 4 stars). 2 submissions from 2 submitters: Uncertain significance (2). Last evaluated 2025-08-08.

Conditions:
Wilms tumor 1 (WT1). Also called: Wilms tumor, somatic. Identifiers: Orphanet 654, MedGen CN033288, MONDO:0008679, OMIM 194070.
Drash syndrome (DDS). Also called: NEPHROPATHY, WILMS TUMOR, AND GENITAL ANOMALIES; WILMS TUMOR AND PSEUDO- OR TRUE HERMAPHRODITISM. Identifiers: Orphanet 220, MedGen C0950121, MONDO:0008682, OMIM 194080.
Frasier syndrome. Identifiers: Orphanet 347, MedGen C0950122, MeSH D052159, MONDO:0007635, OMIM 136680.
11p partial monosomy syndrome (WAGR). Also called: CHROMOSOME 11p13 DELETION SYNDROME; WAGR Spectrum Disorder; WAGR syndrome; WAGR Complex. Identifiers: Orphanet 893, MedGen C0206115, MONDO:0008681, OMIM 194072.
Inborn genetic diseases. Identifiers: MedGen C0950123, MeSH D030342.

Allele frequency attached by ClinVar (database versions not stated): gnomAD exomes below 0.00001; TOPMed below 0.00001.
gnomAD v4.1: 2 of 1,614,038 alleles (0.00012%); highest among the groups gnomAD compares: East Asian, 0.0022%; no homozygotes.

Submissions (2):

Ambry Genetics
Classification: Uncertain significance for Inborn genetic diseases. Last evaluated: 2025-08-08. Review status: criteria provided, single submitter. Criteria: Ambry Variant Classification Scheme 2023. Collection method: clinical testing. Allele origin: germline.
Comment: The p.C303Y variant (also known as c.908G>A), located in coding exon 4 of the WT1 gene, results from a G to A substitution at nucleotide position 908. The cysteine at codon 303 is replaced by tyrosine, an amino acid with highly dissimilar properties. This amino acid position is highly conserved in available vertebrate species. In addition, this alteration is predicted to be deleterious by in silico analysis. Based on the available evidence, the clinical significance of this variant remains unclear.

Labcorp Genetics (formerly Invitae), Labcorp
Classification: Uncertain significance for Wilms tumor 1; Drash syndrome; 11p partial monosomy syndrome; Frasier syndrome. Last evaluated: 2023-06-27. Review status: criteria provided, single submitter. Criteria: Invitae Variant Classification Sherloc (09022015). Collection method: clinical testing. Allele origin: germline.
Comment: This sequence change replaces cysteine, which is neutral and slightly polar, with tyrosine, which is neutral and polar, at codon 303 of the WT1 protein (p.Cys303Tyr). In summary, the available evidence is currently insufficient to determine the role of this variant in disease. Therefore, it has been classified as a Variant of Uncertain Significance. An algorithm developed to predict the effect of missense changes on protein structure and function (PolyPhen-2) suggests that this variant is likely to be disruptive. This variant has not been reported in the literature in individuals affected with WT1-related conditions. This variant is not present in population databases (gnomAD no frequency).

NM_024426.6(WT1):c.923G>A (p.Cys308Tyr)

Gene: WT1 (WT1 transcription factor; minus strand). Cytogenetic location: 11p13.
Variant type: single nucleotide variant.
Coding change: c.923G>A on transcript NM_024426.6 (MANE Select); coding-DNA position 923, G replaced by A.
Protein change: p.Cys308Tyr; replaces cysteine 308 with tyrosine.
Molecular consequence: missense variant. On other transcripts: non-coding transcript variant (2).
Genome position (GRCh38, 1-based): chr11:32,417,619, C>T on the plus strand (G>A on the coding strand, the complement: WT1 is on the minus strand). VCF-style: chr11-32417619-C-T. GRCh37 (hg19) VCF-style: chr11-32439165-C-T.
Other names: c.923G>A, p.Cys308Tyr (NM_000378.6, NM_001407044.1, NM_001407045.1 and 4 more transcripts); c.272G>A, p.Cys91Tyr (NM_001198551.2, NM_001198552.2); c.800G>A, p.Cys267Tyr (NM_001407047.1, NM_001407050.1); c.908G>A (NM_024426.4); c.161G>A, p.Cys54Tyr (NM_001407051.1); c.908G>A, p.Cys303Tyr (NM_024425.2); short protein forms C91Y, C303Y, C267Y, C308Y, C54Y.
Identifiers: ClinVar variation 2924237 (VCV002924237.4), dbSNP rs1852718361, ClinGen allele CA379962145.